The following is an entry in ClinVar:

ClinVar aggregate classification (germline): Pathogenic/Likely pathogenic. Review status: criteria provided, multiple submitters, no conflicts (2 of 4 stars). 10 submissions from 10 submitters: Pathogenic (8); Likely pathogenic (1). 1 of the submissions does not count toward it. Last evaluated 2025-02-16.

Conditions:
Lymphangiomyomatosis (LAM). Also called: Lymphangioleiomyomatosis; Lymphangioleiomyomatosis, somatic. Identifiers: Orphanet 538, MedGen C0751674, MONDO:0011705, OMIM 606690.
Tuberous sclerosis 2 (TSC2). Identifiers: Orphanet 805, MedGen C1860707, MONDO:0013199, OMIM 613254.
Isolated focal cortical dysplasia type II (FCORD2). Also called: CORTICAL DYSPLASIA OF TAYLOR; Focal cortical dysplasia type II. Identifiers: Orphanet 268994, MedGen C1846385, MONDO:0011818, OMIM 607341, HP:0032051.
TSC2-related disorder. Also called: TSC2-Related Disorders; TSC2-related condition.
Tuberous sclerosis syndrome (TSC). Also called: Tuberous Sclerosis Complex; Tuberous sclerosis. Identifiers: Orphanet 805, MedGen C0041341, MONDO:0001734.

Submissions (10):

Laboratory of Genetics, Children's Clinical University Hospital Latvia
Classification: Pathogenic. Last evaluated: 2025-02-16. Review status: criteria provided, single submitter. Criteria: ACMG Guidelines, 2015. Collection method: clinical testing. Allele origin: germline. Affected: yes.

GeneDx
Classification: Pathogenic. Last evaluated: 2025-01-02. Review status: criteria provided, single submitter. Criteria: GeneDx Variant Classification Process June 2021. Collection method: clinical testing. Allele origin: germline. Affected: yes.
Comment: Canonical splice site variant expected to result in aberrant splicing, although in the absence of functional evidence the actual effect of this sequence change is unknown.; Deletions involving coding exons of this gene are a known mechanism of disease (HGMD); Not observed at significant frequency in large population cohorts (gnomAD); This variant is associated with the following publications: (PMID: 16981987, 27406250, 25498131, 18466115, 36674629, 21520333, 11112665)

Fulgent Genetics
Classification: Likely pathogenic for Lymphangiomyomatosis; Isolated focal cortical dysplasia type II; Tuberous sclerosis 2. Last evaluated: 2024-01-04. Review status: criteria provided, single submitter. Criteria: ACMG Guidelines, 2015. Collection method: clinical testing. Allele origin: germline.

Labcorp Genetics (formerly Invitae), Labcorp
Classification: Pathogenic for Tuberous sclerosis 2. Last evaluated: 2023-10-16. Review status: criteria provided, single submitter. Criteria: Invitae Variant Classification Sherloc (09022015). Collection method: clinical testing. Allele origin: germline.
Comment: This variant results in the deletion of part of exon 41 (c.5252_5252+19) of the TSC2 gene. While this variant is not anticipated to result in nonsense mediated decay, it likely alters RNA splicing and results in a disrupted protein product. This variant is not present in population databases (gnomAD no frequency). This variant has been observed in individuals with tuberous sclerosis complex (PMID: 11112665, 21520333, 25498131). ClinVar contains an entry for this variant (Variation ID: 49366). Variants that disrupt the consensus splice site are a relatively common cause of aberrant splicing (PMID: 17576681, 9536098). This variant disrupts a region of the TSC2 protein in which other variant(s) (p.Ser1761Leufs*60) have been determined to be pathogenic (Invitae). This suggests that this is a clinically significant region of the protein, and that variants that disrupt it are likely to be disease-causing. For these reasons, this variant has been classified as Pathogenic.

3billion
Classification: Pathogenic for Tuberous sclerosis 2. Last evaluated: 2023-07-07. Review status: criteria provided, single submitter. Criteria: ACMG Guidelines, 2015. Collection method: clinical testing. Allele origin: germline. Affected: yes.
Comment: The variant is not observed in the gnomAD v2.1.1 dataset. Predicted Consequence/Location: Canonical splice site: predicted to alter splicing and result in a loss or disruption of normal protein function. The predicted truncated protein may be shortened by less than 10%. The variant has been observed in multiple (>3) similarly affected unrelated individuals (PMID: 11112665, 16981987, 27406250). The variant has been reported at least twice as pathogenic with clinical assertions and evidence for the classification (ClinVar ID: VCV000049366 /PMID: 11112665). Therefore, this variant is classified as Pathogenic according to the recommendation of ACMG/AMP guideline.

Mayo Clinic Laboratories, Mayo Clinic
Classification: Pathogenic. Last evaluated: 2023-06-20. Review status: criteria provided, single submitter. Criteria: ACMG Guidelines, 2015. Collection method: clinical testing. Allele origin: germline. Observed: 1 variant allele.
Comment: PP4, PM2_moderate, PM6, PS4, PVS1_strong

Genome-Nilou Lab
Classification: Pathogenic for Tuberous sclerosis 2. Last evaluated: 2021-11-07. Review status: criteria provided, single submitter. Criteria: ACMG Guidelines, 2015. Collection method: clinical testing. Allele origin: germline. Affected: no.

Blueprint Genetics
Classification: Pathogenic for TSC2-related disorders. Last evaluated: 2019-08-29. Review status: criteria provided, single submitter. Criteria: ACMG Guidelines, 2015. Collection method: clinical testing. Allele origin: germline. Affected: yes. Observed: 1 variant allele.

Athena Diagnostics
Classification: Pathogenic for Tuberous sclerosis 2. Last evaluated: 2013-05-03. Review status: criteria provided, single submitter. Criteria: Athena Diagnostics Criteria. Collection method: clinical testing. Allele origin: germline. Inheritance: Autosomal dominant inheritance.

Tuberous sclerosis database (TSC2)
No classification provided. Condition: TSC. Review status: no classification provided. Criteria: Tuberous Sclerosis Database Assertion Criteria 2015. Collection method: curation. Allele origin: germline. Affected: yes. Not counted in ClinVar's aggregate classification.

Literature cited by the submitters: PubMed 11112665 (cited by 4 submitters); PubMed 21520333 (cited by Labcorp Genetics (formerly Invitae), Labcorp); PubMed 25498131 (cited by Labcorp Genetics (formerly Invitae), Labcorp and Mayo Clinic Laboratories, Mayo Clinic); PubMed 17576681 (cited by Labcorp Genetics (formerly Invitae), Labcorp); PubMed 9536098 (cited by Labcorp Genetics (formerly Invitae), Labcorp); PubMed 16981987 (cited by 3billion and Mayo Clinic Laboratories, Mayo Clinic); PubMed 27406250 (cited by 3billion and Mayo Clinic Laboratories, Mayo Clinic); PubMed 31018109 (cited by Mayo Clinic Laboratories, Mayo Clinic).

NM_000548.5(TSC2):c.5252_5259+19del

Gene: TSC2 (TSC complex subunit 2; plus strand). Cytogenetic location: 16p13.3.
Variant type: Deletion.
Coding change: c.5252_5259+19del on transcript NM_000548.5 (MANE Select); coding-DNA position 5252 through 19 bases into the intron after coding-DNA position 5259, 27 bases deleted (GCCAGCGGGTAGGGAATATGGGGCTCC).
Molecular consequence: splice donor variant.
Genome position (GRCh38, 1-based): chr16:2,088,318-2,088,344, GCCAGCGGGTAGGGAATATGGGGCTCC deleted; deleting any 27 consecutive bases within chr16:2,088,312-2,088,344 gives the same sequence; the c. name uses the placement nearest the transcript's 3' end. VCF-style (leftmost placement, unchanged base first): chr16-2088311-CGGCTCCGCCAGCGGGTAGGGAATATGG-C. GRCh37 (hg19) VCF-style: chr16-2138312-CGGCTCCGCCAGCGGGTAGGGAATATGG-C.
Other names: c.5183_5190+19del (NM_001114382.3); c.5123_5130+19del (NM_021055.3); c.5111_5118+19del (NM_001370405.1); c.5054_5061+19del (NM_001363528.2); c.5120_5127+19del (NM_001370404.1); c.5051_5058+19del (NM_001077183.3); c.4943_4950+19del (NM_001318827.2); c.4520_4527+19del (NM_001318831.2); and 3 more.
Identifiers: ClinVar variation 49366 (VCV000049366.18), dbSNP rs137854397, ClinGen allele CA210060.